The following is an entry in ClinVar:

NM_014336.5(AIPL1):c.221T>C (p.Ile74Thr)

Gene: AIPL1 (AIP like 1 HSP90 co-chaperone; minus strand). Cytogenetic location: 17p13.2.
Variant type: single nucleotide variant.
Coding change: c.221T>C on transcript NM_014336.5 (MANE Select); coding-DNA position 221, T replaced by C.
Protein change: p.Ile74Thr; replaces isoleucine 74 with threonine.
Molecular consequence: missense variant. On other transcripts: intron variant (1).
Genome position (GRCh38, 1-based): chr17:6,433,974, A>G on the plus strand (T>C on the coding strand, the complement: AIPL1 is on the minus strand). VCF-style: chr17-6433974-A-G. GRCh37 (hg19) VCF-style: chr17-6337294-A-G.
Other names: c.221T>C, p.Ile74Thr (NM_001033054.3, NM_001285401.3, NM_001285403.4); c.185T>C, p.Ile62Thr (NM_001285399.3); c.155T>C, p.Ile52Thr (NM_001285400.3); c.104T>C, p.Ile35Thr (NM_001285402.2); c.96+1035T>C (NM_001033055.3); c.221T>C (NM_014336.4, NM_014336.3); short protein forms I52T, I74T, I35T, I62T.
Identifiers: ClinVar variation 1359722 (VCV001359722.9), dbSNP rs201336952, ClinGen allele CA8328592.

ClinVar aggregate classification (germline): Conflicting classifications of pathogenicity. Review status: criteria provided, conflicting classifications (1 of 4 stars). 4 submissions from 4 submitters: Uncertain significance (2); Likely benign (1). 1 of the submissions does not count toward it. Last evaluated 2024-05-26.

Conditions:
AIPL1-related disorder. Also called: AIPL1-related disorders; AIPL1-related condition. Identifiers: MedGen CN239169.
Inborn genetic diseases. Identifiers: MedGen C0950123, MeSH D030342.
Leber congenital amaurosis 4 (LCA4). Identifiers: MedGen C1858386, MONDO:0011458, OMIM 604393.

Allele frequency attached by ClinVar (database versions not stated): gnomAD exomes below 0.00001 and 0.00003; TOPMed below 0.00001; gnomAD 0.00001 and 0.00003; ExAC 0.00003; 1000 Genomes Project 0.00040; 1000 Genomes Project 30x 0.00047.
gnomAD v4.1: 8 of 1,613,678 alleles (0.0005%); highest among the groups gnomAD compares: East Asian, 0.018%; no homozygotes.

Submissions (4):

Ambry Genetics
Classification: Likely benign for Inborn genetic diseases. Last evaluated: 2024-05-26. Review status: criteria provided, single submitter. Criteria: Ambry Variant Classification Scheme 2023. Collection method: clinical testing. Allele origin: germline.

Labcorp Genetics (formerly Invitae), Labcorp
Classification: Uncertain significance for Leber congenital amaurosis 4. Last evaluated: 2022-02-05. Review status: criteria provided, single submitter. Criteria: Invitae Variant Classification Sherloc (09022015). Collection method: clinical testing. Allele origin: germline.
Comment: This sequence change replaces isoleucine, which is neutral and non-polar, with threonine, which is neutral and polar, at codon 74 of the AIPL1 protein (p.Ile74Thr). This variant is present in population databases (rs201336952, gnomAD 0.03%). This variant has not been reported in the literature in individuals affected with AIPL1-related conditions. Algorithms developed to predict the effect of missense changes on protein structure and function output the following: SIFT: "Tolerated"; PolyPhen-2: "Benign"; Align-GVGD: "Class C0". The threonine amino acid residue is found in multiple mammalian species, which suggests that this missense change does not adversely affect protein function. In summary, the available evidence is currently insufficient to determine the role of this variant in disease. Therefore, it has been classified as a Variant of Uncertain Significance.

Blueprint Genetics
Classification: Uncertain significance. Last evaluated: 2019-10-07. Review status: criteria provided, single submitter. Criteria: ACMG Guidelines, 2015. Collection method: clinical testing. Allele origin: germline.

PreventionGenetics, part of Exact Sciences
Classification: Uncertain significance for AIPL1-related condition. Last evaluated: 2023-10-18. Review status: no assertion criteria provided. Collection method: clinical testing. Allele origin: germline. Not counted in ClinVar's aggregate classification.
Comment: The AIPL1 c.221T>C variant is predicted to result in the amino acid substitution p.Ile74Thr. To our knowledge, this variant has not been reported in the literature. This variant is reported in 0.040% of alleles in individuals of East Asian descent in gnomAD. At this time, the clinical significance of this variant is uncertain due to the absence of conclusive functional and genetic evidence.